The following is an entry in ClinVar:

ClinVar aggregate classification (germline): Uncertain significance. Review status: criteria provided, multiple submitters, no conflicts (2 of 4 stars). 4 submissions from 4 submitters: Uncertain significance (4). Last evaluated 2025-11-23.

Conditions:
Tumor predisposition syndrome 3 (TPDS3). Also called: Glioma susceptibility 9; LONG TELOMERE SYNDROME, POT1-RELATED; POT1 Tumor Predisposition; Melanoma, cutaneous malignant, susceptibility to, 10. Identifiers: Orphanet 618, MedGen C4014476, MONDO:0014368, OMIM 615848.
Hereditary cancer-predisposing syndrome. Also called: Tumor predisposition; Hereditary Cancer Syndrome; Hereditary neoplastic syndrome; Neoplastic Syndromes, Hereditary. Identifiers: Orphanet 140162, MedGen C0027672, MeSH D009386, MONDO:0015356.

Allele frequency attached by ClinVar (database versions not stated): gnomAD exomes below 0.00001 and 0.00001; gnomAD 0.00004 and 0.00006; TOPMed 0.00004; ESP Exome Variant Server 0.00008.
gnomAD v4.1: 10 of 1,612,666 alleles (0.00062%); highest among the groups gnomAD compares: African/African-American, 0.012%; no homozygotes.

Submissions (4):

Labcorp Genetics (formerly Invitae), Labcorp
Classification: Uncertain significance for Tumor predisposition syndrome 3. Last evaluated: 2025-11-23. Review status: criteria provided, single submitter. Criteria: Invitae Variant Classification Sherloc (09022015). Collection method: clinical testing. Allele origin: germline.
Comment: This sequence change replaces threonine, which is neutral and polar, with isoleucine, which is neutral and non-polar, at codon 406 of the POT1 protein (p.Thr406Ile). This variant is present in population databases (rs143841721, gnomAD 0.008%). This variant has not been reported in the literature in individuals affected with POT1-related conditions. ClinVar contains an entry for this variant (Variation ID: 818618). Invitae Evidence Modeling of protein sequence and biophysical properties (such as structural, functional, and spatial information, amino acid conservation, physicochemical variation, residue mobility, and thermodynamic stability) indicates that this missense variant is not expected to disrupt POT1 protein function with a negative predictive value of 80%. In summary, the available evidence is currently insufficient to determine the role of this variant in disease. Therefore, it has been classified as a Variant of Uncertain Significance.

Ambry Genetics
Classification: Uncertain significance for Hereditary cancer-predisposing syndrome. Last evaluated: 2025-06-09. Review status: criteria provided, single submitter. Criteria: Ambry Variant Classification Scheme 2023. Collection method: clinical testing. Allele origin: germline.

GeneDx
Classification: Uncertain significance. Last evaluated: 2022-11-18. Review status: criteria provided, single submitter. Criteria: GeneDx Variant Classification Process June 2021. Collection method: clinical testing. Allele origin: germline. Affected: yes.
Comment: Not observed at significant frequency in large population cohorts (gnomAD); In silico analysis supports that this missense variant does not alter protein structure/function; Has not been previously published as pathogenic or benign to our knowledge

Quest Diagnostics Nichols Institute San Juan Capistrano
Classification: Uncertain significance. Last evaluated: 2021-08-03. Review status: criteria provided, single submitter. Criteria: Quest Diagnostics criteria. Collection method: clinical testing. Allele origin: unknown.

NM_015450.3(POT1):c.1217C>T (p.Thr406Ile)

Gene: POT1 (protection of telomeres 1; minus strand). Cytogenetic location: 7q31.33.
Variant type: single nucleotide variant.
Coding change: c.1217C>T on transcript NM_015450.3 (MANE Select); coding-DNA position 1217, C replaced by T.
Protein change: p.Thr406Ile; replaces threonine 406 with isoleucine.
Molecular consequence: missense variant. On other transcripts: non-coding transcript variant (3).
Genome position (GRCh38, 1-based): chr7:124,841,125, G>A on the plus strand (C>T on the coding strand, the complement: POT1 is on the minus strand). VCF-style: chr7-124841125-G-A. GRCh37 (hg19) VCF-style: chr7-124481179-G-A.
Other names: c.824C>T, p.Thr275Ile (NM_001042594.2); short protein forms T406I, T275I.
Identifiers: ClinVar variation 818618 (VCV000818618.16), dbSNP rs143841721, ClinGen allele CA166104479.
Genomic context (GRCh38, chr7:124,841,125, plus strand): 5'-GTGGTCCAGATTTTTGAATCATATAATGATGTATTTTGTAGCTTGACATCTGGGGTTTTA[G>A]TTGCACCATCCTGAAAAATTATATCCAAATCGCCCTCATGTGGAACTTCTTGCCTAAAAT-3'
Protein context (NP_056265.2, residues 396-416): DLDIIFQDGA[Thr406Ile]KTPDVKLQNT